The following is an entry in ClinVar:

NM_001142864.4(PIEZO1):c.6848C>G (p.Pro2283Arg)

Gene: PIEZO1 (piezo type mechanosensitive ion channel component 1 (Er blood group); minus strand). Cytogenetic location: 16q24.3.
Variant type: single nucleotide variant.
Coding change: c.6848C>G on transcript NM_001142864.4 (MANE Select); coding-DNA position 6848, C replaced by G.
Protein change: p.Pro2283Arg; replaces proline 2283 with arginine.
Molecular consequence: missense variant.
Genome position (GRCh38, 1-based): chr16:88,716,637, G>C on the plus strand (C>G on the coding strand, the complement: PIEZO1 is on the minus strand). VCF-style: chr16-88716637-G-C. GRCh37 (hg19) VCF-style: chr16-88783045-G-C.
Other names: short protein forms P2283R.
Identifiers: ClinVar variation 4282239 (VCV004282239.1).

ClinVar aggregate classification (germline): Uncertain significance (1 of 4 stars; one submission).

Submission:

GeneDx
Classification: Uncertain significance. Last evaluated: 2025-04-17. Review status: criteria provided, single submitter. Criteria: GeneDx Variant Classification Process June 2021. Collection method: clinical testing. Allele origin: germline. Affected: yes.
Comment: Not observed at significant frequency in large population cohorts (gnomAD); In silico analysis supports that this missense variant has a deleterious effect on protein structure/function; Has not been previously published as pathogenic or benign to our knowledge